The following is an entry in ClinVar:

NM_020778.5(ALPK3):c.559C>A (p.Arg187Ser)

Gene: ALPK3 (alpha kinase 3; plus strand). Cytogenetic location: 15q25.3.
Variant type: single nucleotide variant.
Coding change: c.559C>A on transcript NM_020778.5 (MANE Select); coding-DNA position 559, C replaced by A.
Protein change: p.Arg187Ser; replaces arginine 187 with serine.
Molecular consequence: missense variant.
Genome position (GRCh38, 1-based): chr15:84,839,838, C>A. VCF-style: chr15-84839838-C-A. GRCh37 (hg19) VCF-style: chr15-85383069-C-A.
Other names: short protein forms R187S.
Identifiers: ClinVar variation 4742545 (VCV004742545.1).
Genomic context (GRCh38, chr15:84,839,838, plus strand): 5'-CTGGAGGTGGGCACCATGACTGAGTACAAGATCCACCAGCGCTGGTTCGCCAAGTTGAAG[C>A]GCAAGGCTGCGGCAAAGCTGCGCGAGATCGAGCAGAGCTGGAAGCACGAGAAGGCGGTGC-3'
Protein context (NP_065829.4, residues 177-197): IHQRWFAKLK[Arg187Ser]KAAAKLREIE

ClinVar aggregate classification (germline): Uncertain significance (1 of 4 stars; one submission).

Submission:

Labcorp Genetics (formerly Invitae), Labcorp
Classification: Uncertain significance. Last evaluated: 2025-02-13. Review status: criteria provided, single submitter. Criteria: Invitae Variant Classification Sherloc (09022015). Collection method: clinical testing. Allele origin: germline.
Comment: This sequence change replaces arginine, which is basic and polar, with serine, which is neutral and polar, at codon 389 of the ALPK3 protein (p.Arg389Ser). This variant is not present in population databases (gnomAD no frequency). This variant has not been reported in the literature in individuals affected with ALPK3-related conditions. Invitae Evidence Modeling of protein sequence and biophysical properties (such as structural, functional, and spatial information, amino acid conservation, physicochemical variation, residue mobility, and thermodynamic stability) indicates that this missense variant is expected to disrupt ALPK3 protein function with a positive predictive value of 80%. In summary, the available evidence is currently insufficient to determine the role of this variant in disease. Therefore, it has been classified as a Variant of Uncertain Significance.